The following is an entry in ClinVar:

NM_000038.6(APC):c.8294G>C (p.Ser2765Thr)

Gene: APC (APC regulator of Wnt signaling pathway; plus strand). Cytogenetic location: 5q22.2.
Variant type: single nucleotide variant.
Coding change: c.8294G>C on transcript NM_000038.6 (MANE Select); coding-DNA position 8294, G replaced by C.
Protein change: p.Ser2765Thr; replaces serine 2765 with threonine.
Molecular consequence: missense variant.
Genome position (GRCh38, 1-based): chr5:112,843,888, G>C. VCF-style: chr5-112843888-G-C. GRCh37 (hg19) VCF-style: chr5-112179585-G-C.
Other names: c.8294G>C, p.Ser2765Thr (NM_001127510.3, NM_001354895.2); c.8240G>C, p.Ser2747Thr (NM_001127511.3); c.8348G>C, p.Ser2783Thr (NM_001354896.2); c.8324G>C, p.Ser2775Thr (NM_001354897.2); c.8219G>C, p.Ser2740Thr (NM_001354898.2); c.8210G>C, p.Ser2737Thr (NM_001354899.2); c.8171G>C, p.Ser2724Thr (NM_001354900.2); c.8117G>C, p.Ser2706Thr (NM_001354901.2); and 5 more; short protein forms S2639T, S2674T, S2706T, S2747T, S2775T, S2664T, S2737T, S2482T.
Identifiers: ClinVar variation 1472398 (VCV001472398.10), dbSNP rs2150002687, ClinGen allele CA16039326.

ClinVar aggregate classification (germline): Uncertain significance. Review status: criteria provided, multiple submitters, no conflicts (2 of 4 stars). 2 submissions from 2 submitters: Uncertain significance (2). Last evaluated 2022-03-19.

Conditions:
Hereditary cancer-predisposing syndrome. Also called: Neoplastic Syndromes, Hereditary; Hereditary Cancer Syndrome; Tumor predisposition; Hereditary neoplastic syndrome. Identifiers: Orphanet 140162, MedGen C0027672, MeSH D009386, MONDO:0015356.
Familial adenomatous polyposis 1 (FAP1). Also called: FAMILIAL ADENOMATOUS POLYPOSIS 1, ATTENUATED; POLYPOSIS, ADENOMATOUS INTESTINAL. Identifiers: MedGen C2713442, MONDO:0021056, OMIM 175100. Disease mechanism: loss of function.

gnomAD v4.1: 1 of 1,613,956 alleles (0.000062%); highest among the groups gnomAD compares: Middle Eastern, 0.017%; no homozygotes.

Submissions (2):

Ambry Genetics
Classification: Uncertain significance for Hereditary cancer-predisposing syndrome. Last evaluated: 2022-03-19. Review status: criteria provided, single submitter. Criteria: Ambry Variant Classification Scheme 2023. Collection method: clinical testing. Allele origin: germline.
Comment: The p.S2765T variant (also known as c.8294G>C), located in coding exon 15 of the APC gene, results from a G to C substitution at nucleotide position 8294. The serine at codon 2765 is replaced by threonine, an amino acid with similar properties. This amino acid position is conserved. In addition, in silico predictors for this gene do not accurately predict pathogenicity. Since supporting evidence is limited at this time, the clinical significance of this alteration remains unclear.

Labcorp Genetics (formerly Invitae), Labcorp
Classification: Uncertain significance for Familial adenomatous polyposis 1. Last evaluated: 2020-12-17. Review status: criteria provided, single submitter. Criteria: Invitae Variant Classification Sherloc (09022015). Collection method: clinical testing. Allele origin: germline.
Comment: In summary, the available evidence is currently insufficient to determine the role of this variant in disease. Therefore, it has been classified as a Variant of Uncertain Significance. Algorithms developed to predict the effect of missense changes on protein structure and function output the following: SIFT: "Tolerated"; PolyPhen-2: "Benign"; Align-GVGD: "Class C0". The threonine amino acid residue is found in multiple mammalian species, suggesting that this missense change does not adversely affect protein function. These predictions have not been confirmed by published functional studies and their clinical significance is uncertain. This variant has not been reported in the literature in individuals with APC-related conditions. This variant is not present in population databases (ExAC no frequency). This sequence change replaces serine with threonine at codon 2765 of the APC protein (p.Ser2765Thr). The serine residue is highly conserved and there is a small physicochemical difference between serine and threonine.